The following is an entry in ClinVar:

NM_018668.5(VPS33B):c.133C>G (p.Leu45Val)

Gene: VPS33B (VPS33B late endosome and lysosome associated; minus strand). Cytogenetic location: 15q26.1.
Variant type: single nucleotide variant.
Coding change: c.133C>G on transcript NM_018668.5 (MANE Select); coding-DNA position 133, C replaced by G.
Protein change: p.Leu45Val; replaces leucine 45 with valine.
Molecular consequence: missense variant. On other transcripts: 5 prime UTR variant (1), intron variant (1).
Genome position (GRCh38, 1-based): chr15:91,017,849, G>C on the plus strand (C>G on the coding strand, the complement: VPS33B is on the minus strand). VCF-style: chr15-91017849-G-C. GRCh37 (hg19) VCF-style: chr15-91561079-G-C.
Other names: c.-79C>G (NM_001289149.1); c.97-825C>G (NM_001289148.1); short protein forms L45V.
Identifiers: ClinVar variation 3578226 (VCV003578226.2).

ClinVar aggregate classification (germline): Uncertain significance. Review status: criteria provided, multiple submitters, no conflicts (2 of 4 stars). 2 submissions from 2 submitters: Uncertain significance (2). Last evaluated 2025-10-19.

Conditions:
Cholestasis, progressive familial intrahepatic, 12 (PFIC12). Also called: CHOLESTASIS, ISOLATED LOW-GGT. Identifiers: MedGen C5774311, MONDO:0031040, OMIM 620010.
Keratoderma-ichthyosis-deafness syndrome, autosomal recessive (KDIDAR). Identifiers: MedGen C5774200, MONDO:0859278, OMIM 620009.
Arthrogryposis, renal dysfunction, and cholestasis 1 (ARCS1). Identifiers: Orphanet 2697, MedGen C1859722, MONDO:0008822, OMIM 208085.

gnomAD v4.1: 30 of 1,614,112 alleles (0.0019%); highest among the groups gnomAD compares: South Asian, 0.031%; no homozygotes.

Submissions (2):

Labcorp Genetics (formerly Invitae), Labcorp
Classification: Uncertain significance. Last evaluated: 2025-10-19. Review status: criteria provided, single submitter. Criteria: Invitae Variant Classification Sherloc (09022015). Collection method: clinical testing. Allele origin: germline.
Comment: This sequence change replaces leucine, which is neutral and non-polar, with valine, which is neutral and non-polar, at codon 45 of the VPS33B protein (p.Leu45Val). This variant is present in population databases (rs199874738, gnomAD 0.04%). This variant has not been reported in the literature in individuals affected with VPS33B-related conditions. ClinVar contains an entry for this variant (Variation ID: 3578226). Invitae Evidence Modeling of protein sequence and biophysical properties (such as structural, functional, and spatial information, amino acid conservation, physicochemical variation, residue mobility, and thermodynamic stability) indicates that this missense variant is not expected to disrupt VPS33B protein function with a negative predictive value of 80%. In summary, the available evidence is currently insufficient to determine the role of this variant in disease. Therefore, it has been classified as a Variant of Uncertain Significance.

Fulgent Genetics
Classification: Uncertain significance for Arthrogryposis, renal dysfunction, and cholestasis 1; Keratoderma-ichthyosis-deafness syndrome, autosomal recessive; Cholestasis, progressive familial intrahepatic, 12. Last evaluated: 2024-02-06. Review status: criteria provided, single submitter. Criteria: ACMG Guidelines, 2015. Collection method: clinical testing. Allele origin: germline.